The following is an entry in ClinVar:

NM_004493.3(HSD17B10):c.748G>A (p.Val250Ile)

Gene: HSD17B10 (hydroxysteroid 17-beta dehydrogenase 10; minus strand). Cytogenetic location: Xp11.22.
Variant type: single nucleotide variant.
Coding change: c.748G>A on transcript NM_004493.3 (MANE Select); coding-DNA position 748, G replaced by A.
Protein change: p.Val250Ile; replaces valine 250 with isoleucine.
Molecular consequence: missense variant.
Genome position (GRCh38, 1-based): chrX:53,431,442, C>T on the plus strand (G>A on the coding strand, the complement: HSD17B10 is on the minus strand). VCF-style: chrX-53431442-C-T. GRCh37 (hg19) VCF-style: chrX-53458390-C-T.
Other names: c.721G>A, p.Val241Ile (NM_001037811.2); short protein forms V241I, V250I.
Identifiers: ClinVar variation 3389532 (VCV003389532.14).

ClinVar aggregate classification (germline): Uncertain significance. Review status: criteria provided, multiple submitters, no conflicts (2 of 4 stars). 2 submissions from 2 submitters: Uncertain significance (2). Last evaluated 2025-01-24.

Submissions (2):

Athena Diagnostics
Classification: Uncertain significance. Last evaluated: 2025-01-24. Review status: criteria provided, single submitter. Criteria: Athena Diagnostics Criteria. Collection method: clinical testing. Allele origin: unknown.
Comment: Available data are insufficient to determine the clinical significance of the variant at this time. This variant has not been reported in large, multi-ethnic general populations. Polyphen and MutationTaster predict this amino acid change may be benign.

CeGaT Center for Human Genetics Tuebingen
Classification: Uncertain significance. Last evaluated: 2024-09-01. Review status: criteria provided, single submitter. Criteria: CeGaT Center For Human Genetics Tuebingen Variant Classification Criteria Version 2. Collection method: clinical testing. Allele origin: germline. Affected: yes. Observed: 1 variant allele.
Comment: HSD17B10: PM2, PP2